The following is an entry in ClinVar:

NM_006363.6(SEC23B):c.716A>G (p.Asp239Gly)

Gene: SEC23B (SEC23 homolog B, COPII component; plus strand). Cytogenetic location: 20p11.23.
Variant type: single nucleotide variant.
Coding change: c.716A>G on transcript NM_006363.6 (MANE Select); coding-DNA position 716, A replaced by G.
Protein change: p.Asp239Gly; replaces aspartic acid 239 with glycine.
Molecular consequence: missense variant.
Genome position (GRCh38, 1-based): chr20:18,525,814, A>G. VCF-style: chr20-18525814-A-G. GRCh37 (hg19) VCF-style: chr20-18506458-A-G.
Other names: c.716A>G, p.Asp239Gly (NM_001172745.3, NM_032985.6, NM_032986.5); c.662A>G, p.Asp221Gly (NM_001172746.3); short protein forms D221G, D239G.
Identifiers: ClinVar variation 932011 (VCV000932011.8), dbSNP rs761034212, ClinGen allele CA9778116.
Genomic context (GRCh38, chr20:18,525,814, plus strand): 5'-AATCTGGGTTGATGTGTCTGTTAAAATCTTGCAGATTTCTGCAGCCTGTTCACAAGATTG[A>G]TATGAACCTCACTGATCTTCTTGGGGAGCTACAGAGGGACCCATGGCCAGTAACTCAGGG-3'
Protein context (NP_006354.2, residues 229-249): SRFLQPVHKI[Asp239Gly]MNLTDLLGEL

ClinVar aggregate classification (germline): Conflicting classifications of pathogenicity. Review status: criteria provided, conflicting classifications (1 of 4 stars). 3 submissions from 3 submitters: Likely pathogenic (2); Uncertain significance (1). Last evaluated 2024-04-29.

Conditions:
Congenital dyserythropoietic anemia, type II (CDAN2). Also called: DYSERYTHROPOIETIC ANEMIA, HEMPAS TYPE. Identifiers: Orphanet 98873, MedGen C1306589, MONDO:0009134, OMIM 224100.
Cowden syndrome 7 (CWS7). Identifiers: Orphanet 201, MedGen C4225179, MONDO:0014802, OMIM 616858.

Allele frequency attached by ClinVar (database versions not stated): ExAC 0.00002.
gnomAD v4.1: 18 of 1,614,080 alleles (0.0011%); highest among the groups gnomAD compares: Non-Finnish European, 0.0014%; no homozygotes.

Submissions (3):

Labcorp Genetics (formerly Invitae), Labcorp
Classification: Uncertain significance for Congenital dyserythropoietic anemia, type II; Cowden syndrome 7. Last evaluated: 2024-04-29. Review status: criteria provided, single submitter. Criteria: Invitae Variant Classification Sherloc (09022015). Collection method: clinical testing. Allele origin: germline.
Comment: This sequence change replaces aspartic acid, which is acidic and polar, with glycine, which is neutral and non-polar, at codon 239 of the SEC23B protein (p.Asp239Gly). This variant is present in population databases (rs761034212, gnomAD 0.003%). This missense change has been observed in individual(s) with dyserythropoietic anemia (PMID: 19561605, 33159567). ClinVar contains an entry for this variant (Variation ID: 932011). Advanced modeling of protein sequence and biophysical properties (such as structural, functional, and spatial information, amino acid conservation, physicochemical variation, residue mobility, and thermodynamic stability) has been performed at Invitae for this missense variant, however the output from this modeling did not meet the statistical confidence thresholds required to predict the impact of this variant on SEC23B protein function. Experimental studies have shown that this missense change does not substantially affect SEC23B function (PMID: 19561605). In summary, the available evidence is currently insufficient to determine the role of this variant in disease. Therefore, it has been classified as a Variant of Uncertain Significance.

Centre of Medical Genetics, University Hospital Muenster
Classification: Likely pathogenic for Congenital dyserythropoietic anemia, type II. Last evaluated: 2022-08-22. Review status: criteria provided, single submitter. Criteria: ACMG Guidelines, 2015. Collection method: clinical testing. Allele origin: unknown. Affected: yes. Observed: 1 variant allele, 1 homozygote.
Comment: ACMG categories: PM1,PM2,PP3,PP5

Centre for Mendelian Genomics, University Medical Centre Ljubljana
Classification: Likely pathogenic for Congenital dyserythropoietic anemia, type II. Last evaluated: 2016-01-01. Review status: criteria provided, single submitter. Criteria: ACMG Guidelines, 2015. Collection method: clinical testing. Allele origin: unknown. Affected: yes.
Comment: This variant was classified as: Likely pathogenic. The following ACMG criteria were applied in classifying this variant: PM2,PM3,PP3,PP4,PP5.

Literature cited by the submitters: PubMed 19561605 (cited by Labcorp Genetics (formerly Invitae), Labcorp); PubMed 33159567 (cited by Labcorp Genetics (formerly Invitae), Labcorp).